The following is an entry in ClinVar:

NM_001370259.2(MEN1):c.1770G>C (p.Gln590His)

Gene: MEN1 (menin 1; minus strand). Cytogenetic location: 11q13.1.
Variant type: single nucleotide variant.
Coding change: c.1770G>C on transcript NM_001370259.2 (MANE Select); coding-DNA position 1770, G replaced by C.
Protein change: p.Gln590His; replaces glutamine 590 with histidine.
Molecular consequence: missense variant.
Genome position (GRCh38, 1-based): chr11:64,804,397, C>G on the plus strand (G>C on the coding strand, the complement: MEN1 is on the minus strand). VCF-style: chr11-64804397-C-G. GRCh37 (hg19) VCF-style: chr11-64571869-C-G.
Other names: c.1785G>C, p.Gln595His (NM_000244.4, NM_130800.3, NM_130801.3 and 3 more transcripts); c.1896G>C, p.Gln632His (NM_001370251.2); c.1770G>C, p.Gln590His (NM_001370260.2, NM_001370261.2, NM_130799.3); c.1665G>C, p.Gln555His (NM_001370262.2, NM_001370263.2); short protein forms Q595H, Q632H, Q555H, Q590H.
Identifiers: ClinVar variation 1350235 (VCV001350235.6), dbSNP rs1470506250, ClinGen allele CA381177364.

ClinVar aggregate classification (germline): Uncertain significance (1 of 4 stars; one submission).

Conditions:
Multiple endocrine neoplasia, type 1 (MEN1). Also called: MEN I; WERMER SYNDROME; MEA I; Endocrine adenomatosis multiple; MEN 1. Identifiers: Orphanet 652, MedGen C0025267, MeSH D018761, MONDO:0007540, OMIM 131100.

Allele frequency attached by ClinVar (database versions not stated): gnomAD exomes below 0.00001.
gnomAD v4.1: 4 of 1,614,182 alleles (0.00025%); highest among the groups gnomAD compares: Non-Finnish European, 0.00034%; no homozygotes.

Submission:

Labcorp Genetics (formerly Invitae), Labcorp
Classification: Uncertain significance for Multiple endocrine neoplasia, type 1. Last evaluated: 2021-11-08. Review status: criteria provided, single submitter. Criteria: Invitae Variant Classification Sherloc (09022015). Collection method: clinical testing. Allele origin: germline.
Comment: This variant is present in population databases (no rsID available, gnomAD 0.0009%). This sequence change replaces glutamine, which is neutral and polar, with histidine, which is basic and polar, at codon 590 of the MEN1 protein (p.Gln590His). This variant has not been reported in the literature in individuals affected with MEN1-related conditions. In summary, the available evidence is currently insufficient to determine the role of this variant in disease. Therefore, it has been classified as a Variant of Uncertain Significance. Advanced modeling of protein sequence and biophysical properties (such as structural, functional, and spatial information, amino acid conservation, physicochemical variation, residue mobility, and thermodynamic stability) performed at Invitae indicates that this missense variant is expected to disrupt MEN1 protein function.